The following is an entry in ClinVar:

NM_014000.3(VCL):c.1872+12A>G

Gene: VCL (vinculin; plus strand). Cytogenetic location: 10q22.2.
Variant type: single nucleotide variant.
Coding change: c.1872+12A>G on transcript NM_014000.3 (MANE Select); 12 bases into the intron after coding-DNA position 1872, A replaced by G.
Molecular consequence: intron variant.
Genome position (GRCh38, 1-based): chr10:74,097,344, A>G. VCF-style: chr10-74097344-A-G. GRCh37 (hg19) VCF-style: chr10-75857102-A-G.
Other names: c.1872+12A>G (NM_003373.4).
Identifiers: ClinVar variation 386908 (VCV000386908.1), dbSNP rs1057522638, ClinGen allele CA16605919.
Genomic context (GRCh38, chr10:74,097,344, plus strand): 5'-GTTGGCAGTGGCAGCCACGGCGCCTCCTGATGCGCCTAACAGGGAAGAGGTGGGTATCTG[A>G]GGTCTTCCATTTTTCTGTCAGCCTGTGCTATAGGTATATGTAAAGGTGAAATGTGATTAC-3'

ClinVar aggregate classification (germline): Likely benign (1 of 4 stars; one submission).

Submission:

GeneDx
Classification: Likely benign. Last evaluated: 2016-06-10. Review status: criteria provided, single submitter. Criteria: GeneDx Variant Classification (06012015). Collection method: clinical testing. Allele origin: germline. Affected: yes.
Comment: This variant is considered likely benign or benign based on one or more of the following criteria: it is a conservative change, it occurs at a poorly conserved position in the protein, it is predicted to be benign by multiple in silico algorithms, and/or has population frequency not consistent with disease.